The following is an entry in ClinVar:

NM_001111.5(ADAR):c.1154G>A (p.Arg385Lys)

Gene: ADAR (adenosine deaminase RNA specific; minus strand). Cytogenetic location: 1q21.3.
Variant type: single nucleotide variant.
Coding change: c.1154G>A on transcript NM_001111.5 (MANE Select); coding-DNA position 1154, G replaced by A.
Protein change: p.Arg385Lys; replaces arginine 385 with lysine.
Molecular consequence: missense variant.
Genome position (GRCh38, 1-based): chr1:154,601,488, C>T on the plus strand (G>A on the coding strand, the complement: ADAR is on the minus strand). VCF-style: chr1-154601488-C-T. GRCh37 (hg19) VCF-style: chr1-154573964-C-T.
Other names: c.269G>A, p.Arg90Lys (NM_001025107.3, NM_001193495.2, NM_001365046.1 and 3 more transcripts); c.1181G>A, p.Arg394Lys (NM_001365045.1); c.1154G>A, p.Arg385Lys (NM_015840.4, NM_015841.4); short protein forms R385K, R90K, R394K.
Identifiers: ClinVar variation 2068976 (VCV002068976.4), dbSNP rs528767351, ClinGen allele CA1131579.

ClinVar aggregate classification (germline): Uncertain significance (1 of 4 stars; one submission).

Conditions:
Aicardi-Goutieres syndrome 6 (AGS6). Identifiers: Orphanet 51, MedGen C3539013, MONDO:0014007, OMIM 615010.
Symmetrical dyschromatosis of extremities (DSH). Also called: DYSCHROMATOSIS SYMMETRICA HEREDITARIA 1; Dyschromatosis symmetrica hereditaria; RETICULATE ACROPIGMENTATION OF DOHI; SYMMETRIC DYSCHROMATOSIS OF THE EXTREMITIES. Identifiers: Orphanet 41, MedGen C0406775, MONDO:0007483, OMIM 127400.

Allele frequency attached by ClinVar (database versions not stated): gnomAD 0.00001; ExAC 0.00002; TOPMed 0.00002; 1000 Genomes Project 30x 0.00016; 1000 Genomes Project 0.00020.
gnomAD v4.1: 6 of 1,614,132 alleles (0.00037%); highest among the groups gnomAD compares: African/African-American, 0.0067%; no homozygotes.

Submission:

Labcorp Genetics (formerly Invitae), Labcorp
Classification: Uncertain significance for Aicardi-Goutieres syndrome 6; Symmetrical dyschromatosis of extremities. Last evaluated: 2024-02-12. Review status: criteria provided, single submitter. Criteria: Invitae Variant Classification Sherloc (09022015). Collection method: clinical testing. Allele origin: germline.
Comment: This sequence change replaces arginine, which is basic and polar, with lysine, which is basic and polar, at codon 385 of the ADAR protein (p.Arg385Lys). This variant is present in population databases (rs528767351, gnomAD 0.02%). This variant has not been reported in the literature in individuals affected with ADAR-related conditions. ClinVar contains an entry for this variant (Variation ID: 2068976). Advanced modeling of protein sequence and biophysical properties (such as structural, functional, and spatial information, amino acid conservation, physicochemical variation, residue mobility, and thermodynamic stability) performed at Invitae indicates that this missense variant is not expected to disrupt ADAR protein function with a negative predictive value of 80%. In summary, the available evidence is currently insufficient to determine the role of this variant in disease. Therefore, it has been classified as a Variant of Uncertain Significance.